The following is an entry in ClinVar:

NM_006231.4(POLE):c.3355C>T (p.Leu1119Phe)

Gene: POLE (DNA polymerase epsilon, catalytic subunit; minus strand). Cytogenetic location: 12q24.33.
Variant type: single nucleotide variant.
Coding change: c.3355C>T on transcript NM_006231.4 (MANE Select); coding-DNA position 3355, C replaced by T.
Protein change: p.Leu1119Phe; replaces leucine 1119 with phenylalanine.
Molecular consequence: missense variant.
Genome position (GRCh38, 1-based): chr12:132,657,891, G>A on the plus strand (C>T on the coding strand, the complement: POLE is on the minus strand). VCF-style: chr12-132657891-G-A. GRCh37 (hg19) VCF-style: chr12-133234477-G-A.
Other names: short protein forms L1119F.
Identifiers: ClinVar variation 569433 (VCV000569433.16), dbSNP rs376921543, ClinGen allele CA6893270.

ClinVar aggregate classification (germline): Uncertain significance. Review status: criteria provided, multiple submitters, no conflicts (2 of 4 stars). 4 submissions from 4 submitters: Uncertain significance (4). Last evaluated 2025-12-15.

Conditions:
Hereditary cancer-predisposing syndrome. Also called: Hereditary neoplastic syndrome; Tumor predisposition; Neoplastic Syndromes, Hereditary; Hereditary Cancer Syndrome. Identifiers: Orphanet 140162, MedGen C0027672, MeSH D009386, MONDO:0015356.

Allele frequency attached by ClinVar (database versions not stated): gnomAD exomes below 0.00001; TOPMed below 0.00001; gnomAD 0.00001; ExAC 0.00002; ESP Exome Variant Server 0.00008.
gnomAD v4.1: 6 of 1,613,558 alleles (0.00037%); no homozygotes.

Submissions (4):

Labcorp Genetics (formerly Invitae), Labcorp
Classification: Uncertain significance. Last evaluated: 2025-12-15. Review status: criteria provided, single submitter. Criteria: Invitae Variant Classification Sherloc (09022015). Collection method: clinical testing. Allele origin: germline.
Comment: This sequence change replaces leucine, which is neutral and non-polar, with phenylalanine, which is neutral and non-polar, at codon 1119 of the POLE protein (p.Leu1119Phe). This variant is present in population databases (rs376921543, gnomAD 0.01%). This variant has not been reported in the literature in individuals affected with POLE-related conditions. ClinVar contains an entry for this variant (Variation ID: 569433). Experimental studies and prediction algorithms are not available or were not evaluated, and the functional significance of this variant is currently unknown. In summary, the available evidence is currently insufficient to determine the role of this variant in disease. Therefore, it has been classified as a Variant of Uncertain Significance.

Ambry Genetics
Classification: Uncertain significance for Hereditary cancer-predisposing syndrome. Last evaluated: 2025-09-26. Review status: criteria provided, single submitter. Criteria: Ambry Variant Classification Scheme 2023. Collection method: clinical testing. Allele origin: germline.
Comment: The p.L1119F variant (also known as c.3355C>T), located in coding exon 27 of the POLE gene, results from a C to T substitution at nucleotide position 3355. The leucine at codon 1119 is replaced by phenylalanine, an amino acid with highly similar properties. This amino acid position is conserved. In addition, the in silico prediction for this alteration is inconclusive. Since supporting evidence is limited at this time, the clinical significance of this alteration remains unclear.

GeneDx
Classification: Uncertain significance. Last evaluated: 2023-10-04. Review status: criteria provided, single submitter. Criteria: GeneDx Variant Classification Process June 2021. Collection method: clinical testing. Allele origin: germline. Affected: yes.
Comment: Not observed at significant frequency in large population cohorts (gnomAD); In silico analysis supports that this missense variant has a deleterious effect on protein structure/function; Has not been previously published as pathogenic or benign to our knowledge

Sema4
Classification: Uncertain significance for Hereditary cancer-predisposing syndrome. Last evaluated: 2021-04-29. Review status: criteria provided, single submitter. Criteria: Sema4 Curation Guidelines. Collection method: curation. Allele origin: germline.
Comment: To the best of our knowledge, the POLE c.3355C>T (p.L1119F) variant has not been reported in individuals with POLE-related disease. It was observed in 1/10078 chromosomes of the Ashkenazi Jewish subpopulation in the large and broad cohorts of the Genome Aggregation Database. The variant has been reported in ClinVar (Variation ID: 569433). In silico tools suggest the impact of the variant on protein function is inconclusive, though these predictions have not been confirmed by functional studies. The evidence is insufficient to meet ACMG/AMP criteria for classifying the variant as benign or pathogenic. Thus, the clinical significance of this variant is currently uncertain.